The following is an entry in ClinVar:

ClinVar aggregate classification (germline): Pathogenic (1 of 4 stars; one submission).

Submission:

GeneDx
Classification: Pathogenic. Last evaluated: 2023-09-08. Review status: criteria provided, single submitter. Criteria: GeneDx Variant Classification Process June 2021. Collection method: clinical testing. Allele origin: germline. Affected: yes.
Comment: Nonsense variant predicted to result in protein truncation or nonsense mediated decay in a gene for which loss of function is a known mechanism of disease; Not observed at significant frequency in large population cohorts (gnomAD); This variant is associated with the following publications: (PMID: 30816285)

NM_001009944.3(PKD1):c.6760G>T (p.Glu2254Ter)

Gene: PKD1 (polycystin 1, transient receptor potential channel interacting; minus strand). Cytogenetic location: 16p13.3.
Variant type: single nucleotide variant.
Coding change: c.6760G>T on transcript NM_001009944.3 (MANE Select); coding-DNA position 6760, G replaced by T.
Protein change: p.Glu2254Ter; replaces glutamic acid 2254 with a stop codon.
Molecular consequence: nonsense.
Genome position (GRCh38, 1-based): chr16:2,108,407, C>A on the plus strand (G>T on the coding strand, the complement: PKD1 is on the minus strand). VCF-style: chr16-2108407-C-A. GRCh37 (hg19) VCF-style: chr16-2158408-C-A.
Other names: c.6760G>T, p.Glu2254Ter (NM_000296.4); short protein forms E2254*.
Identifiers: ClinVar variation 3340954 (VCV003340954.1).